The following is an entry in ClinVar:

ClinVar aggregate classification (germline): Pathogenic (1 of 4 stars; one submission).

Conditions:
Primary ciliary dyskinesia 3. Identifiers: Orphanet 244, MedGen C1837618, MONDO:0012085, OMIM 608644.

Submission:

Myriad Genetics, Inc.
Classification: Pathogenic for Primary ciliary dyskinesia 3. Last evaluated: 2024-07-24. Review status: criteria provided, single submitter. Criteria: Myriad Autosomal Dominant, Autosomal Recessive and X-Linked Classification Criteria (2023). Collection method: clinical testing. Allele origin: unknown.
Comment: NM_001369.2(DNAH5):c.5885delG(C1962Ffs*11) is expected to be pathogenic in the context of primary ciliary dyskinesia, DNAH5-related. This variant is predicted to lead to an abnormal or absent protein product due to the creation of a premature termination codon in DNAH5, a gene where loss-of-function variants are known to be pathogenic. Please note: this variant was assessed in the context of healthy population screening.

NM_001369.3(DNAH5):c.5885del (p.Cys1962fs)

Gene: DNAH5 (dynein axonemal heavy chain 5; minus strand). Cytogenetic location: 5p15.2.
Variant type: Deletion.
Coding change: c.5885del on transcript NM_001369.3 (MANE Select); coding-DNA position 5885, one base deleted (G; older notation c.5885delG).
Protein change: p.Cys1962fs; shifts the reading frame from cysteine 1962.
Molecular consequence: frameshift variant.
Genome position (GRCh38, 1-based): chr5:13,830,773, C deleted on the plus strand (G on the coding strand, the reverse complement: DNAH5 is on the minus strand). VCF-style (leftmost placement, unchanged base first): chr5-13830772-AC-A. GRCh37 (hg19) VCF-style: chr5-13830881-AC-A.
Other names: short protein forms C1962fs.
Identifiers: ClinVar variation 5013355 (VCV005013355.1).
Genomic context (GRCh38, chr5:13,830,772, plus strand): 5'-TGCAGGTCCAGCAGGGGCTCCCCCCATGCTCATTCCCAGAGCTTGAGCCAGCGTGATGTA[AC>A]ATCTGCATGGGTAGAAACATCACTAGAACCAGCCCTCAGTCACCTGGAAATACTTCTGAG-3'